The following is an entry in ClinVar:

NM_032043.3(BRIP1):c.2869C>G (p.Pro957Ala)

Gene: BRIP1 (BRCA1 interacting DNA helicase 1; minus strand). Cytogenetic location: 17q23.2.
Variant type: single nucleotide variant.
Coding change: c.2869C>G on transcript NM_032043.3 (MANE Select); coding-DNA position 2869, C replaced by G.
Protein change: p.Pro957Ala; replaces proline 957 with alanine.
Molecular consequence: missense variant.
Genome position (GRCh38, 1-based): chr17:61,685,872, G>C on the plus strand (C>G on the coding strand, the complement: BRIP1 is on the minus strand). VCF-style: chr17-61685872-G-C. GRCh37 (hg19) VCF-style: chr17-59763233-G-C.
Other names: short protein forms P957A.
Identifiers: ClinVar variation 1001101 (VCV001001101.9), dbSNP rs2061352600, ClinGen allele CA400481246.

ClinVar aggregate classification (germline): Uncertain significance (1 of 4 stars; one submission).

Conditions:
Familial cancer of breast. Also called: hereditary breast carcinoma; BREAST CANCER, FAMILIAL; Hereditary breast cancer. Identifiers: Orphanet 227535, MedGen C0346153, MONDO:0016419, OMIM 114480. Disease mechanism: loss of function.
Fanconi anemia complementation group J. Also called: BRIP1-Related Fanconi Anemia. Identifiers: Orphanet 84, MedGen C1836860, MONDO:0012187, OMIM 609054.

Submission:

Labcorp Genetics (formerly Invitae), Labcorp
Classification: Uncertain significance for Familial cancer of breast; Fanconi anemia complementation group J. Last evaluated: 2020-10-26. Review status: criteria provided, single submitter. Criteria: Invitae Variant Classification Sherloc (09022015). Collection method: clinical testing. Allele origin: germline.
Comment: In summary, the available evidence is currently insufficient to determine the role of this variant in disease. Therefore, it has been classified as a Variant of Uncertain Significance. Algorithms developed to predict the effect of sequence changes on RNA splicing suggest that this variant may create or strengthen a splice site, but this prediction has not been confirmed by published transcriptional studies. Algorithms developed to predict the effect of missense changes on protein structure and function (SIFT, PolyPhen-2, Align-GVGD) all suggest that this variant is likely to be tolerated, but these predictions have not been confirmed by published functional studies and their clinical significance is uncertain. This variant has not been reported in the literature in individuals with BRIP1-related conditions. This variant is not present in population databases (ExAC no frequency). This sequence change replaces proline with alanine at codon 957 of the BRIP1 protein (p.Pro957Ala). The proline residue is weakly conserved and there is a small physicochemical difference between proline and alanine.